The following is an entry in ClinVar:

ClinVar aggregate classification (germline): Likely pathogenic (1 of 4 stars; one submission).

Submission:

Labcorp Genetics (formerly Invitae), Labcorp
Classification: Likely pathogenic. Last evaluated: 2024-06-26. Review status: criteria provided, single submitter. Criteria: Invitae Variant Classification Sherloc (09022015). Collection method: clinical testing. Allele origin: germline.
Comment: This sequence change creates a premature translational stop signal (p.Arg57Profs*22) in the RAB33B gene. While this is not anticipated to result in nonsense mediated decay, it is expected to disrupt the last 173 amino acid(s) of the RAB33B protein. This variant is not present in population databases (gnomAD no frequency). This premature translational stop signal has been observed in individual(s) with Smith-McCort dysplasia-related conditions (Invitae). In at least one individual the data is consistent with being in trans (on the opposite chromosome) from a pathogenic variant. This variant disrupts a region of the RAB33B protein in which other variant(s) (p.Phe122Ser) have been observed in individuals with RAB33B-related conditions (PMID: 28127940). This suggests that this is a clinically significant region of the protein, and that variants that disrupt it are likely to be disease-causing. In summary, the currently available evidence indicates that the variant is pathogenic, but additional data are needed to prove that conclusively. Therefore, this variant has been classified as Likely Pathogenic.

Literature cited by the submitters: PubMed 28127940.

NM_031296.3(RAB33B):c.169dup (p.Arg57fs)

Gene: RAB33B (RAB33B, member RAS oncogene family; plus strand). Cytogenetic location: 4q31.1.
Variant type: Duplication.
Coding change: c.169dup on transcript NM_031296.3 (MANE Select); coding-DNA position 169, one base duplicated (C; older notation c.169dupC).
Protein change: p.Arg57fs; shifts the reading frame from arginine 57.
Molecular consequence: frameshift variant.
Genome position (GRCh38, 1-based): chr4:139,454,364, C duplicated; the last of 2 consecutive C bases (chr4:139,454,363-139,454,364); duplicating either gives the same sequence. VCF-style (leftmost placement, unchanged base first): chr4-139454362-G-GC. GRCh37 (hg19) VCF-style: chr4-140375516-G-GC.
Other names: short protein forms R57fs.
Identifiers: ClinVar variation 3655223 (VCV003655223.2).